The following is an entry in ClinVar:

ClinVar aggregate classification (germline): Uncertain significance. Review status: criteria provided, multiple submitters, no conflicts (2 of 4 stars). 3 submissions from 3 submitters: Uncertain significance (3). Last evaluated 2024-10-22.

Conditions:
Inborn genetic diseases. Identifiers: MedGen C0950123, MeSH D030342.

Allele frequency attached by ClinVar (database versions not stated): gnomAD exomes 0.00001 and 0.00006; TOPMed 0.00001; gnomAD 0.00003; ExAC 0.00005; 1000 Genomes Project 30x 0.00016; 1000 Genomes Project 0.00020.
gnomAD v4.1: 17 of 1,613,824 alleles (0.0011%); highest among the groups gnomAD compares: East Asian, 0.038%; no homozygotes.

Submissions (3):

Labcorp Genetics (formerly Invitae), Labcorp
Classification: Uncertain significance. Last evaluated: 2024-10-22. Review status: criteria provided, single submitter. Criteria: Invitae Variant Classification Sherloc (09022015). Collection method: clinical testing. Allele origin: germline.
Comment: This sequence change replaces glutamine, which is neutral and polar, with lysine, which is basic and polar, at codon 1733 of the KIAA1549 protein (p.Gln1733Lys). This variant is present in population databases (rs572611406, gnomAD 0.08%). This variant has not been reported in the literature in individuals affected with KIAA1549-related conditions. ClinVar contains an entry for this variant (Variation ID: 843522). An algorithm developed to predict the effect of missense changes on protein structure and function (PolyPhen-2) suggests that this variant is likely to be disruptive. In summary, the available evidence is currently insufficient to determine the role of this variant in disease. Therefore, it has been classified as a Variant of Uncertain Significance.

Ambry Genetics
Classification: Uncertain significance for Inborn genetic diseases. Last evaluated: 2023-02-16. Review status: criteria provided, single submitter. Criteria: Ambry Variant Classification Scheme 2023. Collection method: clinical testing. Allele origin: germline.

Blueprint Genetics
Classification: Uncertain significance. Last evaluated: 2021-08-18. Review status: criteria provided, single submitter. Criteria: ACMG Guidelines, 2015. Collection method: clinical testing. Allele origin: germline.

NM_001164665.2(KIAA1549):c.5197C>A (p.Gln1733Lys)

Gene: KIAA1549 (KIAA1549; minus strand). Cytogenetic location: 7q34.
Variant type: single nucleotide variant.
Coding change: c.5197C>A on transcript NM_001164665.2 (MANE Select); coding-DNA position 5197, C replaced by A.
Protein change: p.Gln1733Lys; replaces glutamine 1733 with lysine.
Molecular consequence: missense variant.
Genome position (GRCh38, 1-based): chr7:138,861,189, G>T on the plus strand (C>A on the coding strand, the complement: KIAA1549 is on the minus strand). VCF-style: chr7-138861189-G-T. GRCh37 (hg19) VCF-style: chr7-138545935-G-T.
Other names: c.5197C>A, p.Gln1733Lys (NM_020910.3); short protein forms Q1733K.
Identifiers: ClinVar variation 843522 (VCV000843522.11), dbSNP rs572611406, ClinGen allele CA4505639.